The following is an entry in ClinVar:

ClinVar aggregate classification (germline): Benign/Likely benign. Review status: criteria provided, multiple submitters, no conflicts (2 of 4 stars). 14 submissions from 11 submitters: Benign (7); Likely benign (2). 5 of the submissions do not count toward it. Last evaluated 2026-02-04.

Conditions:
Autosomal recessive limb-girdle muscular dystrophy type 2J (LGMDR10). Also called: MUSCULAR DYSTROPHY, LIMB-GIRDLE, AUTOSOMAL RECESSIVE 10; Limb-girdle muscular dystrophy, type 2J. Identifiers: Orphanet 140922, MedGen C1837342, MONDO:0012127, OMIM 608807.
Dilated cardiomyopathy 1G (CMD1G). Identifiers: Orphanet 154, MedGen C1858763, MONDO:0011400, OMIM 604145.
Early-onset myopathy with fatal cardiomyopathy (CMYO5). Also called: CONGENITAL MYOPATHY 5 WITH CARDIOMYOPATHY; Salih Myopathy. Identifiers: Orphanet 289377, MedGen C2673677, MONDO:0012714, OMIM 611705. Disease mechanism: loss of function.
Myopathy, myofibrillar, 9, with early respiratory failure (MFM9). Also called: Hereditary myopathy with early respiratory failure; EDSTROM MYOPATHY; MYOPATHY, PROXIMAL, WITH EARLY RESPIRATORY MUSCLE INVOLVEMENT; Myopathy, distal, with early respiratory failure, autosomal dominant. Identifiers: Orphanet 178464, Orphanet 34521, MedGen C1863599, MONDO:0011362, OMIM 603689.
Tibial muscular dystrophy (TMD). Also called: UDD MYOPATHY; Udd Distal Myopathy – Tibial Muscular Dystrophy; Tibial muscular dystrophy, tardive. Identifiers: Orphanet 609, MedGen C1838244, MONDO:0010870, OMIM 600334.

Allele frequency attached by ClinVar (database versions not stated): 1000 Genomes Project 0.00140; 1000 Genomes Project 30x 0.00141; gnomAD exomes 0.00277 and 0.00506; gnomAD 0.00281 and 0.00313; ExAC 0.00307; TOPMed 0.00350; ESP Exome Variant Server 0.00433.
gnomAD v4.1: 7,621 of 1,581,904 alleles (0.48%); highest among the groups gnomAD compares: Non-Finnish European, 0.6%; 24 homozygotes.

Submissions (14):

Labcorp Genetics (formerly Invitae), Labcorp
Classification: Benign for Dilated cardiomyopathy 1G; Autosomal recessive limb-girdle muscular dystrophy type 2J. Last evaluated: 2026-02-04. Review status: criteria provided, single submitter. Criteria: Invitae Variant Classification Sherloc (09022015). Collection method: clinical testing. Allele origin: germline.

Blueprint Genetics
Classification: Likely benign. Last evaluated: 2024-11-26. Review status: criteria provided, single submitter. Criteria: ACMG Guidelines, 2015. Collection method: clinical testing. Allele origin: germline.

ARUP Laboratories, Molecular Genetics and Genomics, ARUP Laboratories
Classification: Likely benign. Last evaluated: 2024-10-02. Review status: criteria provided, single submitter. Criteria: ARUP Molecular Germline Variant Investigation Process 2024. Collection method: clinical testing. Allele origin: germline.

Genome-Nilou Lab
Classification: Benign for Autosomal recessive limb-girdle muscular dystrophy type 2J. Last evaluated: 2021-09-10. Review status: criteria provided, single submitter. Criteria: ACMG Guidelines, 2015. Collection method: clinical testing. Allele origin: germline. Affected: no.

Genome-Nilou Lab
Classification: Benign for Myopathy, myofibrillar, 9, with early respiratory failure. Last evaluated: 2021-09-10. Review status: criteria provided, single submitter. Criteria: ACMG Guidelines, 2015. Collection method: clinical testing. Allele origin: germline. Affected: no.

Genome-Nilou Lab
Classification: Benign for Early-onset myopathy with fatal cardiomyopathy. Last evaluated: 2021-09-10. Review status: criteria provided, single submitter. Criteria: ACMG Guidelines, 2015. Collection method: clinical testing. Allele origin: germline. Affected: no.

Genome-Nilou Lab
Classification: Benign for Tibial muscular dystrophy. Last evaluated: 2021-09-10. Review status: criteria provided, single submitter. Criteria: ACMG Guidelines, 2015. Collection method: clinical testing. Allele origin: germline. Affected: no.

Women's Health and Genetics/Laboratory Corporation of America, LabCorp
Classification: Benign. Last evaluated: 2020-05-04. Review status: criteria provided, single submitter. Criteria: LabCorp Variant Classification Summary - May 2015. Collection method: clinical testing. Allele origin: germline.
Comment: Variant summary: TTN c.28115-17A>G, also reported as NM_001267550.2(TTN):c.31847-17A>G in the ClinVar database, alters a non-conserved nucleotide located close to a canonical splice site and therefore could affect mRNA splicing, leading to a significantly altered protein sequence. 4/4 computational tools predict no significant impact on normal splicing. However, these predictions have yet to be confirmed by functional studies. The variant allele was found at a frequency of 0.0028 in 209384 control chromosomes in the gnomAD database, including 3 homozygotes. The observed variant frequency is approximately 4.4 fold of the estimated maximal expected allele frequency for a pathogenic variant in TTN causing Cardiomyopathy phenotype (0.00063), strongly suggesting that the variant is benign. To our knowledge, no occurrence of c.28115-17A>G in individuals affected with Cardiomyopathy and no experimental evidence demonstrating its impact on protein function have been reported. One clinical diagnostic laboratory has submitted clinical-significance assessments for this variant to ClinVar after 2014 without evidence for independent evaluation and classified the variant as likely benign. Based on the evidence outlined above, the variant was classified as benign.

GeneDx
Classification: Benign. Last evaluated: 2014-01-28. Review status: criteria provided, single submitter. Criteria: GeneDx Variant Classification (06012015). Collection method: clinical testing. Allele origin: germline. Affected: yes.
Comment: This variant is considered likely benign or benign based on one or more of the following criteria: it is a conservative change, it occurs at a poorly conserved position in the protein, it is predicted to be benign by multiple in silico algorithms, and/or has population frequency not consistent with disease.

Clinical Genetics DNA and cytogenetics Diagnostics Lab, Erasmus MC, Erasmus Medical Center
Classification: Benign. Review status: no assertion criteria provided. Collection method: clinical testing. Allele origin: germline. Affected: yes. Study: VKGL Data-share Consensus. Not counted in ClinVar's aggregate classification.

Clinical Genetics, Academic Medical Center
Classification: Benign. Review status: no assertion criteria provided. Collection method: clinical testing. Allele origin: germline. Affected: yes. Study: VKGL Data-share Consensus. Not counted in ClinVar's aggregate classification.

Diagnostic Laboratory, Department of Genetics, University Medical Center Groningen
Classification: Likely benign. Review status: no assertion criteria provided. Collection method: clinical testing. Allele origin: germline. Affected: yes. Study: VKGL Data-share Consensus. Not counted in ClinVar's aggregate classification.

Genome Diagnostics Laboratory, University Medical Center Utrecht
Classification: Benign. Review status: no assertion criteria provided. Collection method: clinical testing. Allele origin: germline. Affected: yes. Study: VKGL Data-share Consensus. Not counted in ClinVar's aggregate classification.

Joint Genome Diagnostic Labs from Nijmegen and Maastricht, Radboudumc and MUMC+
Classification: Benign. Review status: no assertion criteria provided. Collection method: clinical testing. Allele origin: germline. Affected: yes. Study: VKGL Data-share Consensus. Not counted in ClinVar's aggregate classification.

NM_001267550.2(TTN):c.31847-17A>G

Gene: TTN (titin; minus strand). Cytogenetic location: 2q31.2.
Variant type: single nucleotide variant.
Coding change: c.31847-17A>G on transcript NM_001267550.2 (MANE Select); 17 bases into the intron before coding-DNA position 31847, A replaced by G.
Molecular consequence: intron variant.
Genome position (GRCh38, 1-based): chr2:178,689,612, T>C on the plus strand (A>G on the coding strand, the complement: TTN is on the minus strand). VCF-style: chr2-178689612-T-C. GRCh37 (hg19) VCF-style: chr2-179554339-T-C.
Other names: c.30896-17A>G (NM_001256850.1); c.13283-47295A>G (NM_003319.4); c.13859-47295A>G (NM_133437.4); c.13658-47295A>G (NM_133432.3); c.28115-17A>G (NM_133378.4).
Identifiers: ClinVar variation 137781 (VCV000137781.34), dbSNP rs72650025, ClinGen allele CA291443.